The following is an entry in ClinVar:

NM_002693.3(POLG):c.3215C>T (p.Thr1072Ile)

Gene: POLG (DNA polymerase gamma, catalytic subunit; minus strand). Cytogenetic location: 15q26.1.
Variant type: single nucleotide variant.
Coding change: c.3215C>T on transcript NM_002693.3 (MANE Select); coding-DNA position 3215, C replaced by T.
Protein change: p.Thr1072Ile; replaces threonine 1072 with isoleucine.
Molecular consequence: missense variant.
Genome position (GRCh38, 1-based): chr15:89,318,989, G>A on the plus strand (C>T on the coding strand, the complement: POLG is on the minus strand). VCF-style: chr15-89318989-G-A. GRCh37 (hg19) VCF-style: chr15-89862220-G-A.
Other names: c.3215C>T, p.Thr1072Ile (NM_001126131.2); short protein forms T1072I.
Identifiers: ClinVar variation 1965405 (VCV001965405.5), dbSNP rs530757118, ClinGen allele CA393750624.

ClinVar aggregate classification (germline): Uncertain significance (1 of 4 stars; one submission).

Conditions:
Progressive sclerosing poliodystrophy (MTDPS4A). Also called: Mitochondrial DNA Depletion Syndrome 4A; ALPERS PROGRESSIVE INFANTILE POLIODYSTROPHY; NEURONAL DEGENERATION OF CHILDHOOD WITH LIVER DISEASE, PROGRESSIVE; Mitochondrial DNA depletion syndrome 4A (Alpers type); Alpers-Huttenlocher Syndrome (AHS); Alpers Syndrome. Identifiers: Orphanet 726, MedGen C0205710, MONDO:0008758, OMIM 203700.

Submission:

Labcorp Genetics (formerly Invitae), Labcorp
Classification: Uncertain significance for Progressive sclerosing poliodystrophy. Last evaluated: 2022-06-04. Review status: criteria provided, single submitter. Criteria: Invitae Variant Classification Sherloc (09022015). Collection method: clinical testing. Allele origin: germline.
Comment: This sequence change replaces threonine, which is neutral and polar, with isoleucine, which is neutral and non-polar, at codon 1072 of the POLG protein (p.Thr1072Ile). In summary, the available evidence is currently insufficient to determine the role of this variant in disease. Therefore, it has been classified as a Variant of Uncertain Significance. Algorithms developed to predict the effect of missense changes on protein structure and function (SIFT, PolyPhen-2, Align-GVGD) all suggest that this variant is likely to be disruptive. This variant has not been reported in the literature in individuals affected with POLG-related conditions. This variant is not present in population databases (gnomAD no frequency).